The following is an entry in ClinVar:

NM_001042492.3(NF1):c.2811GAA[1] (p.Lys938del)

Gene: NF1 (neurofibromin 1; plus strand). Cytogenetic location: 17q11.2.
Variant type: Microsatellite.
Coding change: c.2811GAA[1] on transcript NM_001042492.3 (MANE Select); one copy of the 3-base unit GAA starting at c.2811; the reference has two copies in a row; one copy, 3 bases deleted.
Protein change: p.Lys938del; deletes lysine 938.
Molecular consequence: inframe deletion. On other transcripts: inframe indel (1).
Genome position (GRCh38, 1-based): chr17:31,229,429-31,229,431, GAA deleted; deleting any 3 consecutive bases within chr17:31,229,426-31,229,431 gives the same sequence; the position shown is the placement nearest the transcript's 3' end. VCF-style (leftmost placement, unchanged base first): chr17-31229425-TGAA-T. GRCh37 (hg19) VCF-style: chr17-29556443-TGAA-T.
Other names: c.2811_2813GAA[1], p.Lys938del (NM_000267.4); short protein forms K938del.
Identifiers: ClinVar variation 1470085 (VCV001470085.8), dbSNP rs2151429739, ClinGen allele CA2580614099.

ClinVar aggregate classification (germline): Uncertain significance (1 of 4 stars; one submission).

Conditions:
Neurofibromatosis, type 1 (NF1). Also called: NEUROFIBROMATOSIS, TYPE I, SOMATIC; VON RECKLINGHAUSEN DISEASE; Peripheral type neurofibromatosis; Neurofibromatosis, type I. Identifiers: Orphanet 636, MedGen C0027831, MONDO:0018975, OMIM 162200. Disease mechanism: loss of function.

Submission:

Labcorp Genetics (formerly Invitae), Labcorp
Classification: Uncertain significance for Neurofibromatosis, type 1. Last evaluated: 2021-04-04. Review status: criteria provided, single submitter. Criteria: Invitae Variant Classification Sherloc (09022015). Collection method: clinical testing. Allele origin: germline.
Comment: In summary, the available evidence is currently insufficient to determine the role of this variant in disease. Therefore, it has been classified as a Variant of Uncertain Significance. Experimental studies and prediction algorithms are not available or were not evaluated, and the functional significance of this variant is currently unknown. This variant has not been reported in the literature in individuals with NF1-related conditions. This variant is not present in population databases (ExAC no frequency). This variant, c.2814_2816del, results in the deletion of 1 amino acid(s) of the NF1 protein (p.Lys938del), but otherwise preserves the integrity of the reading frame.